The following is an entry in ClinVar:

ClinVar aggregate classification (germline): Uncertain significance. Review status: criteria provided, multiple submitters, no conflicts (2 of 4 stars). 2 submissions from 2 submitters: Uncertain significance (2). Last evaluated 2025-06-14.

Conditions:
Inborn genetic diseases. Identifiers: MedGen C0950123, MeSH D030342.
Holoprosencephaly 11 (HPE11). Identifiers: Orphanet 2162, MedGen C3280215, MONDO:0013642, OMIM 614226.

Allele frequency attached by ClinVar (database versions not stated): ExAC 0.00003.
gnomAD v4.1: 40 of 1,608,324 alleles (0.0025%); highest among the groups gnomAD compares: Non-Finnish European, 0.0034%; no homozygotes.

Submissions (2):

Labcorp Genetics (formerly Invitae), Labcorp
Classification: Uncertain significance for Holoprosencephaly 11. Last evaluated: 2025-06-14. Review status: criteria provided, single submitter. Criteria: Invitae Variant Classification Sherloc (09022015). Collection method: clinical testing. Allele origin: germline.
Comment: This sequence change replaces alanine, which is neutral and non-polar, with valine, which is neutral and non-polar, at codon 1099 of the CDON protein (p.Ala1099Val). The frequency data for this variant in the population databases is considered unreliable, as metrics indicate poor data quality at this position in the gnomAD database. This variant has not been reported in the literature in individuals affected with CDON-related conditions. ClinVar contains an entry for this variant (Variation ID: 2483876). Invitae Evidence Modeling of protein sequence and biophysical properties (such as structural, functional, and spatial information, amino acid conservation, physicochemical variation, residue mobility, and thermodynamic stability) indicates that this missense variant is not expected to disrupt CDON protein function with a negative predictive value of 80%. In summary, the available evidence is currently insufficient to determine the role of this variant in disease. Therefore, it has been classified as a Variant of Uncertain Significance.

Ambry Genetics
Classification: Uncertain significance for Inborn genetic diseases. Last evaluated: 2023-02-14. Review status: criteria provided, single submitter. Criteria: Ambry Variant Classification Scheme 2023. Collection method: clinical testing. Allele origin: germline.

NM_001378964.1(CDON):c.3296C>T (p.Ala1099Val)

Gene: CDON (cell adhesion associated, oncogene regulated; minus strand). Cytogenetic location: 11q24.2.
Variant type: single nucleotide variant.
Coding change: c.3296C>T on transcript NM_001378964.1 (MANE Select); coding-DNA position 3296, C replaced by T.
Protein change: p.Ala1099Val; replaces alanine 1099 with valine.
Molecular consequence: missense variant.
Genome position (GRCh38, 1-based): chr11:125,978,364, G>A on the plus strand (C>T on the coding strand, the complement: CDON is on the minus strand). VCF-style: chr11-125978364-G-A. GRCh37 (hg19) VCF-style: chr11-125848259-G-A.
Other names: c.3296C>T, p.Ala1099Val (NM_001243597.3, NM_016952.6); short protein forms A1099V.
Identifiers: ClinVar variation 2483876 (VCV002483876.3), dbSNP rs774247622, ClinGen allele CA6351442.